The following is an entry in ClinVar:

ClinVar aggregate classification (germline): Pathogenic/Likely pathogenic. Review status: criteria provided, multiple submitters, no conflicts (2 of 4 stars). 3 submissions from 3 submitters: Pathogenic (2); Likely pathogenic (1). Last evaluated 2021-11-18.

Conditions:
Marfan syndrome (MFS). Also called: Marfan syndrome type 1; Marfan syndrome, classic; Marfan's syndrome; FBN1-Related Marfan Syndrome; MARFAN SYNDROME, TYPE I. Identifiers: Orphanet 284963, Orphanet 558, MedGen C0024796, MONDO:0007947, OMIM 154700.
Familial thoracic aortic aneurysm and aortic dissection (TAAD). Also called: Thoracic aortic aneurysms and dissections. Identifiers: Orphanet 91387, MedGen C4707243, MONDO:0019625.

Submissions (3):

Ambry Genetics
Classification: Likely pathogenic for Familial thoracic aortic aneurysm and aortic dissection. Last evaluated: 2021-11-18. Review status: criteria provided, single submitter. Criteria: Ambry Variant Classification Scheme 2023. Collection method: clinical testing. Allele origin: germline.
Comment: The p.D1930N variant (also known as c.5788G>A), located in coding exon 46 of the FBN1 gene, results from a G to A substitution at nucleotide position 5788. The asparagine at codon 1930 is replaced by aspartic acid, an amino acid with highly similar properties. However, this change occurs in the last base pair of coding exon 46, which makes it likely to have some effect on normal mRNA splicing. This alteration has been reported in two individuals with a clinical diagnosis of Marfan syndrome, as well as in individuals with concerns for Marfan syndrome (Liu WO et al. Genet Test 1997;1:237-42; Hilhorst-Hofstee Y et al. Hum Mutat, 2010 Dec;31:E1915-27; Becerra-Mu&ntilde;oz VM et al. Orphanet J Rare Dis, 2018 01;13:16, Ambry internal data). This variant is considered to be rare based on population cohorts in the Genome Aggregation Database (gnomAD). This nucleotide position is highly conserved in available vertebrate species. This amino acid position is highly conserved in available vertebrate species. In silico splice site analysis predicts that this alteration will result in the creation or strengthening of a novel splice donor site. In addition, as a missense substitution this is predicted to be inconclusive by in silico analysis. Based on the majority of available evidence to date, this variant is likely to be pathogenic.

Centre of Medical Genetics, University of Antwerp
Classification: Pathogenic for Marfan syndrome. Last evaluated: 2021-03-01. Review status: criteria provided, single submitter. Criteria: Submitter's publication. Collection method: research. Allele origin: unknown. Affected: yes.
Comment: PM2, PS6, PP4

Center for Human Genetics, Inc
Classification: Pathogenic for Marfan syndrome. Last evaluated: 2016-11-01. Review status: criteria provided, single submitter. Criteria: ACMG Guidelines, 2015. Collection method: clinical testing. Allele origin: germline. Affected: yes.

Literature cited by the submitters: PubMed 10464652 (cited by Ambry Genetics); PubMed 20886638 (cited by Ambry Genetics); PubMed 29357934 (cited by Ambry Genetics).

NM_000138.5(FBN1):c.5788G>A (p.Asp1930Asn)

Gene: FBN1 (fibrillin 1; minus strand). Cytogenetic location: 15q21.1.
Variant type: single nucleotide variant.
Coding change: c.5788G>A on transcript NM_000138.5 (MANE Select); coding-DNA position 5788, G replaced by A.
Protein change: p.Asp1930Asn; replaces aspartic acid 1930 with asparagine.
Molecular consequence: missense variant.
Genome position (GRCh38, 1-based): chr15:48,446,706, C>T on the plus strand (G>A on the coding strand, the complement: FBN1 is on the minus strand). VCF-style: chr15-48446706-C-T. GRCh37 (hg19) VCF-style: chr15-48738903-C-T.
Other names: short protein forms D1930N.
Identifiers: ClinVar variation 547333 (VCV000547333.20), dbSNP rs1555395820, ClinGen allele CA392341002.